The following is an entry in ClinVar:

NM_001278064.2(GRM1):c.3415C>T (p.Pro1139Ser)

Gene: GRM1 (glutamate metabotropic receptor 1; plus strand). Cytogenetic location: 6q24.3.
Variant type: single nucleotide variant.
Coding change: c.3415C>T on transcript NM_001278064.2 (MANE Select); coding-DNA position 3415, C replaced by T.
Protein change: p.Pro1139Ser; replaces proline 1139 with serine.
Molecular consequence: missense variant. On other transcripts: 3 prime UTR variant (3).
Genome position (GRCh38, 1-based): chr6:146,434,626, C>T. VCF-style: chr6-146434626-C-T. GRCh37 (hg19) VCF-style: chr6-146755762-C-T.
Other names: c.*779C>T (NM_001278065.2); c.*744C>T (NM_001278066.1); c.*653C>T (NM_001278067.1); short protein forms P1139S.
Identifiers: ClinVar variation 1923772 (VCV001923772.5), dbSNP rs1358498714, ClinGen allele CA366193690.

ClinVar aggregate classification (germline): Uncertain significance (1 of 4 stars; one submission).

Allele frequency attached by ClinVar (database versions not stated): gnomAD exomes 0.00001.
gnomAD v4.1: 3 of 1,612,248 alleles (0.00019%); highest among the groups gnomAD compares: Non-Finnish European, 0.00025%; no homozygotes.

Submission:

Labcorp Genetics (formerly Invitae), Labcorp
Classification: Uncertain significance. Last evaluated: 2022-10-26. Review status: criteria provided, single submitter. Criteria: Invitae Variant Classification Sherloc (09022015). Collection method: clinical testing. Allele origin: germline.
Comment: In summary, the available evidence is currently insufficient to determine the role of this variant in disease. Therefore, it has been classified as a Variant of Uncertain Significance. Algorithms developed to predict the effect of missense changes on protein structure and function (SIFT, PolyPhen-2, Align-GVGD) all suggest that this variant is likely to be tolerated. This variant has not been reported in the literature in individuals affected with GRM1-related conditions. The frequency data for this variant in the population databases is considered unreliable, as metrics indicate poor data quality at this position in the gnomAD database. This sequence change replaces proline, which is neutral and non-polar, with serine, which is neutral and polar, at codon 1139 of the GRM1 protein (p.Pro1139Ser).